The following is an entry in ClinVar:

NM_001277313.2(FMN1):c.1327G>A (p.Val443Ile)

Gene: FMN1 (formin 1; minus strand). Cytogenetic location: 15q13.3.
Variant type: single nucleotide variant.
Coding change: c.1327G>A on transcript NM_001277313.2 (MANE Select); coding-DNA position 1327, G replaced by A.
Protein change: p.Val443Ile; replaces valine 443 with isoleucine.
Molecular consequence: missense variant.
Genome position (GRCh38, 1-based): chr15:33,153,588, C>T on the plus strand (G>A on the coding strand, the complement: FMN1 is on the minus strand). VCF-style: chr15-33153588-C-T. GRCh37 (hg19) VCF-style: chr15-33445789-C-T.
Other names: c.1327G>A, p.Val443Ile (NM_001277314.2); short protein forms V443I.
Identifiers: ClinVar variation 2754092 (VCV002754092.3), dbSNP rs1308811613, ClinGen allele CA391908327.

ClinVar aggregate classification (germline): Uncertain significance (1 of 4 stars; one submission).

Allele frequency attached by ClinVar (database versions not stated): gnomAD 0.00001; gnomAD exomes 0.00003.
gnomAD v4.1: 18 of 1,536,080 alleles (0.0012%); highest among the groups gnomAD compares: East Asian, 0.044%; no homozygotes.

Submission:

Labcorp Genetics (formerly Invitae), Labcorp
Classification: Uncertain significance. Last evaluated: 2023-09-20. Review status: criteria provided, single submitter. Criteria: Invitae Variant Classification Sherloc (09022015). Collection method: clinical testing. Allele origin: germline.
Comment: The FMN1 gene has multiple clinically relevant transcripts. This variant occurs in alternate transcript NM_001277314.1, and corresponds to NM_001103184.3:c.-85704G>A in the primary transcript. This sequence change replaces valine, which is neutral and non-polar, with isoleucine, which is neutral and non-polar, at codon 443 of the FMN1 protein (p.Val443Ile). This variant is not present in population databases (gnomAD no frequency). This variant has not been reported in the literature in individuals affected with FMN1-related conditions. Experimental studies and prediction algorithms are not available or were not evaluated, and the functional significance of this variant is currently unknown. In summary, the available evidence is currently insufficient to determine the role of this variant in disease. Therefore, it has been classified as a Variant of Uncertain Significance.